The following is an entry in ClinVar:

ClinVar aggregate classification (germline): Uncertain significance. Review status: criteria provided, multiple submitters, no conflicts (2 of 4 stars). 2 submissions from 2 submitters: Uncertain significance (2). Last evaluated 2022-07-14.

Conditions:
Purine-nucleoside phosphorylase deficiency. Also called: NUCLEOSIDE PHOSPHORYLASE DEFICIENCY; Immunodeficiency due to purine nucleoside phosphorylase deficiency. Identifiers: Orphanet 760, MedGen C0268125, MONDO:0013171, OMIM 613179.

Allele frequency attached by ClinVar (database versions not stated): gnomAD exomes below 0.00001.

Submissions (2):

Labcorp Genetics (formerly Invitae), Labcorp
Classification: Uncertain significance for Purine-nucleoside phosphorylase deficiency. Last evaluated: 2022-07-14. Review status: criteria provided, single submitter. Criteria: Invitae Variant Classification Sherloc (09022015). Collection method: clinical testing. Allele origin: germline.
Comment: Variants that disrupt the consensus splice site are a relatively common cause of aberrant splicing (PMID: 17576681, 9536098). Algorithms developed to predict the effect of sequence changes on RNA splicing suggest that this variant may create or strengthen a splice site. In summary, the available evidence is currently insufficient to determine the role of this variant in disease. Therefore, it has been classified as a Variant of Uncertain Significance. ClinVar contains an entry for this variant (Variation ID: 312727). This variant has not been reported in the literature in individuals affected with PNP-related conditions. This variant is not present in population databases (gnomAD no frequency). This sequence change falls in intron 1 of the PNP gene. It does not directly change the encoded amino acid sequence of the PNP protein. It affects a nucleotide within the consensus splice site.

Illumina Laboratory Services, Illumina
Classification: Uncertain significance for Purine-nucleoside phosphorylase deficiency. Last evaluated: 2018-01-13. Review status: criteria provided, single submitter. Criteria: ICSL Variant Classification Criteria 13 December 2019. Collection method: clinical testing. Allele origin: germline.

Literature cited by the submitters: PubMed 17576681 (cited by Labcorp Genetics (formerly Invitae), Labcorp); PubMed 9536098 (cited by Labcorp Genetics (formerly Invitae), Labcorp).

NM_000270.4(PNP):c.11+5G>T

Gene: PNP (purine nucleoside phosphorylase; plus strand). Cytogenetic location: 14q11.2.
Variant type: single nucleotide variant.
Coding change: c.11+5G>T on transcript NM_000270.4 (MANE Select); 5 bases into the intron after coding-DNA position 11, G replaced by T.
Molecular consequence: intron variant.
Genome position (GRCh38, 1-based): chr14:20,469,540, G>T. VCF-style: chr14-20469540-G-T. GRCh37 (hg19) VCF-style: chr14-20937699-G-T.
Identifiers: ClinVar variation 312727 (VCV000312727.9), dbSNP rs886050386, ClinGen allele CA10644960.